The following is an entry in ClinVar:

NM_001346810.2(DLGAP2):c.3041G>C (p.Arg1014Thr)

Genes: DLGAP2 (DLG associated protein 2; plus strand), LOC106783493 (conserved acetylation island sequence 7 enhancer; plus strand). Cytogenetic location: 8p23.3.
Variant type: single nucleotide variant.
Coding change: c.3041G>C on transcript NM_001346810.2 (MANE Select); coding-DNA position 3041, G replaced by C.
Protein change: p.Arg1014Thr; replaces arginine 1014 with threonine.
Molecular consequence: missense variant.
Genome position (GRCh38, 1-based): chr8:1,701,279, G>C. VCF-style: chr8-1701279-G-C. GRCh37 (hg19) VCF-style: chr8-1649445-G-C.
Other names: short protein forms R1014T.
Identifiers: ClinVar variation 5020677 (VCV005020677.1).

ClinVar aggregate classification (germline): Uncertain significance (1 of 4 stars; one submission).

gnomAD v4.1: 5 of 1,584,330 alleles (0.00032%); highest among the groups gnomAD compares: Non-Finnish European, 0.00043%; no homozygotes.

Submission:

Dasa
Classification: Uncertain significance. Last evaluated: 2026-04-06. Review status: criteria provided, single submitter. Criteria: DASA Assertion Criteria. Collection method: clinical testing. Allele origin: germline.
Comment: NM_001346810.2(DLGAP2):c.3041G>C (p.Arg1014Thr) is a missense variant that results in the substitution of arginine with threonine. This variant is rare in population databases. The currently available literature and clinical evidence are not sufficient to establish a definitive association between this variant and the reported condition. Therefore, this variant is classified as a variant of uncertain significance.